The following is an entry in ClinVar:

NM_032043.3(BRIP1):c.2221G>A (p.Val741Met)

Gene: BRIP1 (BRCA1 interacting DNA helicase 1; minus strand). Cytogenetic location: 17q23.2.
Variant type: single nucleotide variant.
Coding change: c.2221G>A on transcript NM_032043.3 (MANE Select); coding-DNA position 2221, G replaced by A.
Protein change: p.Val741Met; replaces valine 741 with methionine.
Molecular consequence: missense variant.
Genome position (GRCh38, 1-based): chr17:61,744,468, C>T on the plus strand (G>A on the coding strand, the complement: BRIP1 is on the minus strand). VCF-style: chr17-61744468-C-T. GRCh37 (hg19) VCF-style: chr17-59821829-C-T.
Other names: short protein forms V741M.
Identifiers: ClinVar variation 1017345 (VCV001017345.13), dbSNP rs1308293137, ClinGen allele CA400482939.

ClinVar aggregate classification (germline): Uncertain significance. Review status: criteria provided, multiple submitters, no conflicts (2 of 4 stars). 2 submissions from 2 submitters: Uncertain significance (2). Last evaluated 2024-09-24.

Conditions:
Hereditary cancer-predisposing syndrome. Also called: Tumor predisposition; Hereditary Cancer Syndrome; Neoplastic Syndromes, Hereditary; Hereditary neoplastic syndrome. Identifiers: Orphanet 140162, MedGen C0027672, MeSH D009386, MONDO:0015356.
Familial cancer of breast. Also called: hereditary breast carcinoma; BREAST CANCER, FAMILIAL; Hereditary breast cancer. Identifiers: Orphanet 227535, MedGen C0346153, MONDO:0016419, OMIM 114480. Disease mechanism: loss of function.
Fanconi anemia complementation group J. Also called: BRIP1-Related Fanconi Anemia. Identifiers: Orphanet 84, MedGen C1836860, MONDO:0012187, OMIM 609054.

Allele frequency attached by ClinVar (database versions not stated): gnomAD exomes below 0.00001.
gnomAD v4.1: 1 of 1,613,918 alleles (0.000062%); highest among the groups gnomAD compares: African/African-American, 0.0013%; no homozygotes.

Submissions (2):

Ambry Genetics
Classification: Uncertain significance for Hereditary cancer-predisposing syndrome. Last evaluated: 2024-09-24. Review status: criteria provided, single submitter. Criteria: Ambry Variant Classification Scheme 2023. Collection method: clinical testing. Allele origin: germline.
Comment: The p.V741M variant (also known as c.2221G>A), located in coding exon 14 of the BRIP1 gene, results from a G to A substitution at nucleotide position 2221. The valine at codon 741 is replaced by methionine, an amino acid with highly similar properties. This amino acid position is conserved. In addition, this alteration is predicted to be tolerated by in silico analysis. Since supporting evidence is limited at this time, the clinical significance of this alteration remains unclear.

Labcorp Genetics (formerly Invitae), Labcorp
Classification: Uncertain significance for Familial cancer of breast; Fanconi anemia complementation group J. Last evaluated: 2023-02-27. Review status: criteria provided, single submitter. Criteria: Invitae Variant Classification Sherloc (09022015). Collection method: clinical testing. Allele origin: germline.
Comment: Advanced modeling of protein sequence and biophysical properties (such as structural, functional, and spatial information, amino acid conservation, physicochemical variation, residue mobility, and thermodynamic stability) performed at Invitae indicates that this missense variant is not expected to disrupt BRIP1 protein function. In summary, the available evidence is currently insufficient to determine the role of this variant in disease. Therefore, it has been classified as a Variant of Uncertain Significance. ClinVar contains an entry for this variant (Variation ID: 1017345). This variant has not been reported in the literature in individuals affected with BRIP1-related conditions. This variant is not present in population databases (gnomAD no frequency). This sequence change replaces valine, which is neutral and non-polar, with methionine, which is neutral and non-polar, at codon 741 of the BRIP1 protein (p.Val741Met).